The following is an entry in ClinVar:

NM_032043.3(BRIP1):c.-38C>G

Gene: BRIP1 (BRCA1 interacting helicase 1; minus strand). Cytogenetic location: 17q23.2.
Variant type: single nucleotide variant.
Coding change: c.-38C>G on transcript NM_032043.3 (MANE Select); 38 bases upstream of the start codon, C replaced by G.
Molecular consequence: 5 prime UTR variant.
Genome position (GRCh38, 1-based): chr17:61,863,291, G>C on the plus strand (C>G on the coding strand, the complement: BRIP1 is on the minus strand). VCF-style: chr17-61863291-G-C. GRCh37 (hg19) VCF-style: chr17-59940652-G-C.
Identifiers: ClinVar variation 182362 (VCV000182362.1), dbSNP rs371225829, ClinGen allele CA298914.

ClinVar aggregate classification (germline): Benign (1 of 4 stars; one submission).

Allele frequency attached by ClinVar (database versions not stated): TOPMed 0.00006.

Submission:

GeneDx
Classification: Benign. Last evaluated: 2014-10-02. Review status: criteria provided, single submitter. Criteria: GeneDx Variant Classification (06012015). Collection method: clinical testing. Allele origin: germline. Affected: yes.
Comment: This variant is considered likely benign or benign based on one or more of the following criteria: it is a conservative change, it occurs at a poorly conserved position in the protein, it is predicted to be benign by multiple in silico algorithms, and/or has population frequency not consistent with disease.